The following is an entry in ClinVar:

NC_000005.9:g.(?_1201766)_(1258794_?)dup

Genes: SLC6A19 (solute carrier family 6 member 19; plus strand), SLC6A18 (solute carrier family 6 member 18; plus strand), TERT (telomerase reverse transcriptase; minus strand). Cytogenetic location: 5p15.33.
Variant type: Duplication.
Identifiers: ClinVar variation 3246401 (VCV003246401.1).

ClinVar aggregate classification (germline): Uncertain significance (1 of 4 stars; one submission).

Conditions:
Idiopathic Pulmonary Fibrosis. Also called: Idiopathic fibrosing alveolitis, chronic form; idiopathic fibrosing alveolitis. Identifiers: Orphanet 2032, MedGen C1800706, MeSH D054990, MONDO:0800504.
Dyskeratosis congenita, autosomal dominant 2. Identifiers: MedGen C3151443, MONDO:0013521, OMIM 613989.

Submission:

Labcorp Genetics (formerly Invitae), Labcorp
Classification: Uncertain significance for Dyskeratosis congenita, autosomal dominant 2; Idiopathic Pulmonary Fibrosis. Last evaluated: 2023-11-07. Review status: criteria provided, single submitter. Criteria: Invitae Variant Classification Sherloc (09022015). Collection method: clinical testing. Allele origin: unknown.
Comment: This variant results in a copy number gain of the genomic region encompassing exon(s) 13-16 of the TERT gene. This region includes the termination codon of the gene. This copy number gain extends beyond the assayed region for this gene and therefore may encompass additional genes. As the precise location of this event is unknown, it may be in tandem or it may be located elsewhere in the genome. This variant has not been reported in the literature in individuals affected with TERT-related conditions. Experimental studies and prediction algorithms are not available or were not evaluated, and the functional significance of this variant is currently unknown. In summary, the available evidence is currently insufficient to determine the role of this variant in disease. Therefore, it has been classified as a Variant of Uncertain Significance.